The following is an entry in ClinVar:

NM_004006.3(DMD):c.4199A>G (p.Lys1400Arg)

Gene: DMD (dystrophin; minus strand). Cytogenetic location: Xp21.1.
Variant type: single nucleotide variant.
Coding change: c.4199A>G on transcript NM_004006.3 (MANE Select); coding-DNA position 4199, A replaced by G.
Protein change: p.Lys1400Arg; replaces lysine 1400 with arginine.
Molecular consequence: missense variant.
Genome position (GRCh38, 1-based): chrX:32,411,786, T>C on the plus strand (A>G on the coding strand, the complement: DMD is on the minus strand). VCF-style: chrX-32411786-T-C. GRCh37 (hg19) VCF-style: chrX-32429903-T-C.
Other names: c.4175A>G, p.Lys1392Arg (NM_000109.4); c.4187A>G, p.Lys1396Arg (NM_004009.3); c.3830A>G, p.Lys1277Arg (NM_004010.3); c.176A>G, p.Lys59Arg (NM_004011.4); c.167A>G, p.Lys56Arg (NM_004012.4); short protein forms K1392R, K59R, K1396R, K56R, K1277R, K1400R.
Identifiers: ClinVar variation 3634831 (VCV003634831.2).

ClinVar aggregate classification (germline): Uncertain significance (1 of 4 stars; one submission).

Conditions:
Duchenne muscular dystrophy (DMD). Also called: MUSCULAR DYSTROPHY, PSEUDOHYPERTROPHIC PROGRESSIVE, DUCHENNE TYPE; Duchenne Muscular Dystrophy (DMD). Identifiers: Orphanet 98896, MedGen C0013264, MONDO:0010679, OMIM 310200.

Submission:

Labcorp Genetics (formerly Invitae), Labcorp
Classification: Uncertain significance for Duchenne muscular dystrophy. Last evaluated: 2024-12-24. Review status: criteria provided, single submitter. Criteria: Invitae Variant Classification Sherloc (09022015). Collection method: clinical testing. Allele origin: germline.
Comment: This sequence change replaces lysine, which is basic and polar, with arginine, which is basic and polar, at codon 1400 of the DMD protein (p.Lys1400Arg). This variant is not present in population databases (gnomAD no frequency). This variant has not been reported in the literature in individuals affected with DMD-related conditions. Invitae Evidence Modeling of protein sequence and biophysical properties (such as structural, functional, and spatial information, amino acid conservation, physicochemical variation, residue mobility, and thermodynamic stability) indicates that this missense variant is not expected to disrupt DMD protein function with a negative predictive value of 95%. In summary, the available evidence is currently insufficient to determine the role of this variant in disease. Therefore, it has been classified as a Variant of Uncertain Significance.